The following is an entry in ClinVar:

ClinVar aggregate classification (germline): Likely benign. Review status: criteria provided, multiple submitters, no conflicts (2 of 4 stars). 5 submissions from 5 submitters: Likely benign (5). Last evaluated 2025-07-16.

Conditions:
Cardiovascular phenotype. Identifiers: MedGen CN230736.

Allele frequency attached by ClinVar (database versions not stated): TOPMed below 0.00001; gnomAD 0.00001; gnomAD exomes 0.00001.
gnomAD v4.1: 15 of 1,550,268 alleles (0.00097%); highest among the groups gnomAD compares: Middle Eastern, 0.017%; no homozygotes.

Submissions (5):

Women's Health and Genetics/Laboratory Corporation of America, LabCorp
Classification: Likely benign. Last evaluated: 2025-07-16. Review status: criteria provided, single submitter. Criteria: LabCorp Variant Classification Summary - May 2015. Collection method: clinical testing. Allele origin: germline.

Mayo Clinic Laboratories, Mayo Clinic
Classification: Likely benign. Last evaluated: 2025-01-07. Review status: criteria provided, single submitter. Criteria: ACMG Guidelines, 2015. Collection method: clinical testing. Allele origin: germline. Observed: 1 variant allele.
Comment: BP4, BP7

Ambry Genetics
Classification: Likely benign for Cardiovascular phenotype. Last evaluated: 2024-02-04. Review status: criteria provided, single submitter. Criteria: Ambry Variant Classification Scheme 2023. Collection method: clinical testing. Allele origin: germline.

Labcorp Genetics (formerly Invitae), Labcorp
Classification: Likely benign. Last evaluated: 2023-11-20. Review status: criteria provided, single submitter. Criteria: Invitae Variant Classification Sherloc (09022015). Collection method: clinical testing. Allele origin: germline.

CeGaT Center for Human Genetics Tuebingen
Classification: Likely benign. Last evaluated: 2021-06-01. Review status: criteria provided, single submitter. Criteria: CeGaT Center For Human Genetics Tuebingen Variant Classification Criteria Version 2. Collection method: clinical testing. Allele origin: germline. Affected: yes. Observed: 1 variant allele.

NM_001367624.2(ZNF469):c.7644C>T (p.His2548=)

Gene: ZNF469 (zinc finger protein 469; plus strand). Cytogenetic location: 16q24.2.
Variant type: single nucleotide variant.
Coding change: c.7644C>T on transcript NM_001367624.2 (MANE Select); coding-DNA position 7644, C replaced by T.
Protein change: p.His2548=; no amino-acid change (histidine 2548 retained).
Molecular consequence: synonymous variant.
Genome position (GRCh38, 1-based): chr16:88,435,114, C>T. VCF-style: chr16-88435114-C-T. GRCh37 (hg19) VCF-style: chr16-88501522-C-T.
Other names: NM_001127464.1:c.7560C>T; p.His2548=.
Identifiers: ClinVar variation 1175897 (VCV001175897.43), dbSNP rs1488105353, ClinGen allele CA497357179.